The following is an entry in ClinVar:

NM_001366028.2(DNAH12):c.5048A>C (p.Asp1683Ala)

Gene: DNAH12 (dynein axonemal heavy chain 12; minus strand). Cytogenetic location: 3p14.3.
Variant type: single nucleotide variant.
Coding change: c.5048A>C on transcript NM_001366028.2 (MANE Select); coding-DNA position 5048, A replaced by C.
Protein change: p.Asp1683Ala; replaces aspartic acid 1683 with alanine.
Molecular consequence: missense variant.
Genome position (GRCh38, 1-based): chr3:57,429,707, T>G on the plus strand (A>C on the coding strand, the complement: DNAH12 is on the minus strand). VCF-style: chr3-57429707-T-G. GRCh37 (hg19) VCF-style: chr3-57415434-T-G.
Other names: short protein forms D1683A.
Identifiers: ClinVar variation 4880134 (VCV004880134.1).

ClinVar aggregate classification (germline): Uncertain significance (1 of 4 stars; one submission).

Conditions:
Primary ciliary dyskinesia. Also called: Ciliary dyskinesia. Identifiers: Orphanet 244, MedGen C0008780, MONDO:0016575, HP:0012265.

gnomAD v4.1: 8,401 of 1,536,830 alleles (0.55%); highest among the groups gnomAD compares: South Asian, 1.3%; 35 homozygotes.

Submission:

Department of Human Genetics, Hannover Medical School
Classification: Uncertain significance for Primary Ciliary Dyskinesia. Last evaluated: 2026-04-01. Review status: criteria provided, single submitter. Criteria: ACMG Guidelines, 2015. Collection method: research. Allele origin: germline. Affected: no.
Comment: Classification performed by HerediClassify using the following criteria:['PP3_protein_moderate: Variant is predicted to be pathogenic by REVEL with evidence strength moderate meeting a threshold of 0.773 (value: 0.9).', "PP4_moderate: The PICADAR socre of 7.0 exceeds threshold of 6 achieving 'moderate' evidence strength."]